The following is an entry in ClinVar:

NM_004370.6(COL12A1):c.8523+5G>A

Gene: COL12A1 (collagen type XII alpha 1 chain; minus strand). Cytogenetic location: 6q13.
Variant type: single nucleotide variant.
Coding change: c.8523+5G>A on transcript NM_004370.6 (MANE Select); 5 bases into the intron after coding-DNA position 8523, G replaced by A.
Molecular consequence: intron variant.
Genome position (GRCh38, 1-based): chr6:75,101,595, C>T on the plus strand (G>A on the coding strand, the complement: COL12A1 is on the minus strand). VCF-style: chr6-75101595-C-T. GRCh37 (hg19) VCF-style: chr6-75811311-C-T.
Other names: c.5031+5G>A (NM_001424116.1, NM_080645.3); c.8250+5G>A (NM_001424115.1); c.8502+5G>A (NM_001424114.1); c.8523+5G>A (NM_001424113.1).
Identifiers: ClinVar variation 4792361 (VCV004792361.1).
Genomic context (GRCh38, chr6:75,101,595, plus strand): 5'-TTAATTAATAGGCAACCATATGACATCATTTCCAACATCATTGTAGCCTGCTCAAGAAAA[C>T]TTACTCTGTCTCCTGGAGGTCCCATTGGTCCTGGTGGGCCAGGTAATCCTGGGGTTCCCT-3'

ClinVar aggregate classification (germline): Uncertain significance (1 of 4 stars; one submission).

Conditions:
Ullrich congenital muscular dystrophy 2 (UCMD2). Identifiers: Orphanet 75840, MedGen C4225314, MONDO:0014654, OMIM 616470.
Bethlem myopathy 2 (BTHLM2). Identifiers: Orphanet 536516, Orphanet 610, MedGen C4225313, MONDO:0034022, OMIM 616471.

gnomAD v4.1: 1 of 1,613,098 alleles (0.000062%); highest among the groups gnomAD compares: Non-Finnish European, 0.000085%; no homozygotes.

Submission:

Labcorp Genetics (formerly Invitae), Labcorp
Classification: Uncertain significance for Bethlem myopathy 2; Ullrich congenital muscular dystrophy 2. Last evaluated: 2026-01-24. Review status: criteria provided, single submitter. Criteria: Invitae Variant Classification Sherloc (09022015). Collection method: clinical testing. Allele origin: germline.
Comment: This sequence change falls in intron 58 of the COL12A1 gene. It does not directly change the encoded amino acid sequence of the COL12A1 protein. It affects a nucleotide within the consensus splice site. This variant is present in population databases (rs755686765, gnomAD 0.0009%). This variant has not been reported in the literature in individuals affected with COL12A1-related conditions. Variants that disrupt the consensus splice site are a relatively common cause of aberrant splicing (PMID: 17576681, 9536098). Algorithms developed to predict the effect of sequence changes on RNA splicing suggest that this variant may disrupt the consensus splice site. In summary, the available evidence is currently insufficient to determine the role of this variant in disease. Therefore, it has been classified as a Variant of Uncertain Significance.

Literature cited by the submitters: PubMed 17576681; PubMed 9536098.